The following is an entry in ClinVar:

ClinVar aggregate classification (germline): Pathogenic. Review status: reviewed by expert panel (3 of 4 stars). 3 submissions from 3 submitters: Pathogenic (1). 2 of the submissions do not count toward it. Last evaluated 2023-08-25.

Conditions:
CDH1-related diffuse gastric and lobular breast cancer syndrome. Also called: CDH1-related diffuse gastric and lobular breast cancer. Identifiers: MedGen CN311521, MONDO:0100488.
Hereditary cancer-predisposing syndrome. Also called: Neoplastic Syndromes, Hereditary; Hereditary Cancer Syndrome; Tumor predisposition; Hereditary neoplastic syndrome. Identifiers: Orphanet 140162, MedGen C0027672, MeSH D009386, MONDO:0015356.

Submissions (3):

Clingen Gastric Cancer Variant Curation Expert Panel
Classification: Pathogenic for CDH1-related diffuse gastric and lobular breast cancer syndrome. Last evaluated: 2023-08-25. Review status: reviewed by expert panel. Criteria: ClinGen CDH1 ACMG Specifications V3.1. Collection method: curation. Allele origin: germline. Inheritance: Autosomal dominant inheritance.
Comment: The c.1733dup p.(Gly579fs) variant is predicted to result in a premature stop codon that leads to a truncated or absent protein (PVS1, PM5_Supporting). The variant is absent in the gnomAD cohort (PM2_Supporting). The variant has been reported in at least one family meeting HDGC clinical criteria (PS4_Supporting; SCV000779005.2). Therefore, this variant meets criteria to be classified as pathogenic based on the ACMG/AMP criteria applied as specified by the CDH1 Variant Curation Expert Panel (Variant Interpretation Guidelines Version 3.1): PVS1, PM2_Supporting, PS4_supporting, PM5_Supporting.

Ambry Genetics
Classification: Pathogenic for Hereditary cancer-predisposing syndrome. Last evaluated: 2024-07-24. Review status: criteria provided, single submitter. Criteria: Ambry Variant Classification Scheme 2023. Collection method: clinical testing. Allele origin: germline. Not counted in ClinVar's aggregate classification.
Comment: The c.1733dupC variant, located in coding exon 12 of the CDH1 gene, results from a duplication of C at nucleotide position 1733, causing a translational frameshift with a predicted alternate stop codon (p.G579Rfs*9). This alteration is expected to result in loss of function by premature protein truncation or nonsense-mediated mRNA decay. This variant has been observed in at least one individual with a family history that is consistent with CDH1-related diffuse gastric and lobular breast cancer (DGLBC) (Ambry internal data). As such, this alteration is interpreted as a disease-causing mutation.

GeneDx
Classification: Likely pathogenic. Last evaluated: 2016-12-06. Review status: criteria provided, single submitter. Criteria: GeneDx Variant Classification (06012015). Collection method: clinical testing. Allele origin: germline. Affected: yes. Not counted in ClinVar's aggregate classification.
Comment: This duplication of one nucleotide in CDH1 is denoted c.1733dupC at the cDNA level and p.Gly579ArgfsX9 (G579RfsX9) at the protein level. The normal sequence, with the base that is duplicated in brackets, is GGAA[dupC]AGGG. The duplication causes a frameshift which changes a Glycine to an Arginine at codon 579, and creates a premature stop codon at position 9 of the new reading frame. Although this variant has not, to our knowledge, been reported in the literature, it is predicted to cause loss of normal protein function through either protein truncation or nonsense-mediated mRNA decay. Based on the currently available information, we consider this duplication to be a likely pathogenic variant.

NM_004360.5(CDH1):c.1733dup (p.Gly579fs)

Gene: CDH1 (cadherin 1; plus strand). Cytogenetic location: 16q22.1.
Variant type: Duplication.
Coding change: c.1733dup on transcript NM_004360.5 (MANE Select); coding-DNA position 1733, one base duplicated (C; older notation c.1733dupC).
Protein change: p.Gly579fs; shifts the reading frame from glycine 579.
Molecular consequence: frameshift variant. On other transcripts: 5 prime UTR variant (1).
Genome position (GRCh38, 1-based): chr16:68,822,022, C duplicated. VCF-style (leftmost placement, unchanged base first): chr16-68822021-A-AC. GRCh37 (hg19) VCF-style: chr16-68855924-A-AC.
Other names: c.1733dup (LRG_301t1); c.1550dup, p.Gly518fs (NM_001317184.2); c.185dup, p.Gly63fs (NM_001317185.2); c.-233dup (NM_001317186.2); c.1733dupC (NM_004360.3); short protein forms G579fs, G518fs, G63fs.
Identifiers: ClinVar variation 545756 (VCV000545756.4), dbSNP rs1555516821, ClinGen allele CA645580182.